The following is an entry in ClinVar:

ClinVar aggregate classification (germline): Benign/Likely benign. Review status: criteria provided, multiple submitters, no conflicts (2 of 4 stars). 2 submissions from 2 submitters: Benign (1); Likely benign (1). Last evaluated 2025-12-01.

Allele frequency attached by ClinVar (database versions not stated): gnomAD 0.00008 and 0.00011; TOPMed 0.00011; gnomAD exomes 0.00022 and 0.00038; ExAC 0.00051; 1000 Genomes Project 30x 0.00078; 1000 Genomes Project 0.00100.
gnomAD v4.1: 349 of 1,611,968 alleles (0.022%); highest among the groups gnomAD compares: Middle Eastern, 0.22%; 3 homozygotes.

Submissions (2):

CeGaT Center for Human Genetics Tuebingen
Classification: Likely benign. Last evaluated: 2025-12-01. Review status: criteria provided, single submitter. Criteria: CeGaT Center For Human Genetics Tuebingen Variant Classification Criteria Version 2. Collection method: clinical testing. Allele origin: germline. Affected: yes. Observed: 1 variant allele.
Comment: DOT1L: BP4, BP7

Labcorp Genetics (formerly Invitae), Labcorp
Classification: Benign. Last evaluated: 2018-12-31. Review status: criteria provided, single submitter. Criteria: Invitae Variant Classification Sherloc (09022015). Collection method: clinical testing. Allele origin: germline.

NM_032482.3(DOT1L):c.2679C>T (p.Arg893=)

Gene: DOT1L (DOT1 like histone lysine methyltransferase; plus strand). Cytogenetic location: 19p13.3.
Variant type: single nucleotide variant.
Coding change: c.2679C>T on transcript NM_032482.3 (MANE Select); coding-DNA position 2679, C replaced by T.
Protein change: p.Arg893=; no amino-acid change (arginine 893 retained).
Molecular consequence: synonymous variant.
Genome position (GRCh38, 1-based): chr19:2,217,906, C>T. VCF-style: chr19-2217906-C-T. GRCh37 (hg19) VCF-style: chr19-2217905-C-T.
Identifiers: ClinVar variation 721697 (VCV000721697.9), dbSNP rs544749605, ClinGen allele CA9060955.